The following is an entry in ClinVar:

NM_001379500.1(COL18A1):c.107-12435A>G

Gene: COL18A1 (collagen type XVIII alpha 1 chain; plus strand). Cytogenetic location: 21q22.3.
Variant type: single nucleotide variant.
Coding change: c.107-12435A>G on transcript NM_001379500.1 (MANE Select); 12435 bases into the intron before coding-DNA position 107, A replaced by G.
Molecular consequence: intron variant. On other transcripts: missense variant (2).
Genome position (GRCh38, 1-based): chr21:45,455,807, A>G. VCF-style: chr21-45455807-A-G. GRCh37 (hg19) VCF-style: chr21-46875721-A-G.
Other names: c.277A>G, p.Thr93Ala (NM_030582.4, NM_130444.3); short protein forms T93A.
Identifiers: ClinVar variation 1469728 (VCV001469728.6), dbSNP rs1457776311, ClinGen allele CA410505498.
Genomic context (GRCh38, chr21:45,455,807, plus strand): 5'-CCAGCGACAGCCCCTGGCAGCCCTGAGCCACCCTCAGAGCTGCTGGAAGATGGCCAGGAC[A>G]CCCCCACTTCTGCCGAGAGCCCGGACGCGCCAGAGGAGAACATTGCCGGTGTCGGAGCCG-3'

ClinVar aggregate classification (germline): Uncertain significance (1 of 4 stars; one submission).

Allele frequency attached by ClinVar (database versions not stated): TOPMed below 0.00001; gnomAD exomes 0.00001.
gnomAD v4.1: 14 of 1,613,224 alleles (0.00087%); highest among the groups gnomAD compares: Non-Finnish European, 0.001%; no homozygotes.

Submission:

Labcorp Genetics (formerly Invitae), Labcorp
Classification: Uncertain significance. Last evaluated: 2023-07-17. Review status: criteria provided, single submitter. Criteria: Invitae Variant Classification Sherloc (09022015). Collection method: clinical testing. Allele origin: germline.
Comment: This variant has not been reported in the literature in individuals affected with COL18A1-related conditions. This variant is not present in population databases (gnomAD no frequency). This sequence change replaces threonine, which is neutral and polar, with alanine, which is neutral and non-polar, at codon 93 of the COL18A1 protein (p.Thr93Ala). The COL18A1 gene has multiple clinically relevant transcripts. This variant occurs in alternate transcript NM_030582.4, and corresponds to NM_130445.2:c.107-12435A>G in the primary transcript. ClinVar contains an entry for this variant (Variation ID: 1469728). In summary, the available evidence is currently insufficient to determine the role of this variant in disease. Therefore, it has been classified as a Variant of Uncertain Significance. Algorithms developed to predict the effect of sequence changes on RNA splicing suggest that this variant is not likely to affect RNA splicing. Experimental studies and prediction algorithms are not available or were not evaluated, and the functional significance of this variant is currently unknown.